The following is an entry in ClinVar:

NM_016589.4(TIMMDC1):c.385C>T (p.Arg129Ter)

Gene: TIMMDC1 (translocase of inner mitochondrial membrane domain containing 1; plus strand). Cytogenetic location: 3q13.33.
Variant type: single nucleotide variant.
Coding change: c.385C>T on transcript NM_016589.4 (MANE Select); coding-DNA position 385, C replaced by T.
Protein change: p.Arg129Ter; replaces arginine 129 with a stop codon.
Molecular consequence: nonsense.
Genome position (GRCh38, 1-based): chr3:119,503,556, C>T. VCF-style: chr3-119503556-C-T. GRCh37 (hg19) VCF-style: chr3-119222403-C-T.
Other names: short protein forms R129*.
Identifiers: ClinVar variation 983214 (VCV000983214.10), dbSNP rs970547270, ClinGen allele CA2555215.

ClinVar aggregate classification (germline): Pathogenic/Likely pathogenic. Review status: criteria provided, multiple submitters, no conflicts (2 of 4 stars). 4 submissions from 4 submitters: Pathogenic (2); Likely pathogenic (2). Last evaluated 2025-09-10.

Conditions:
Mitochondrial complex I deficiency, nuclear type 31. Also called: Mitochondrial complex 1 deficiency, nuclear type 31. Identifiers: MedGen C4748838, MONDO:0032634, OMIM 618251.

Allele frequency attached by ClinVar (database versions not stated): gnomAD exomes 0.00003; ExAC 0.00004; gnomAD 0.00005; TOPMed 0.00006.
gnomAD v4.1: 46 of 1,611,722 alleles (0.0029%); highest among the groups gnomAD compares: South Asian, 0.0066%; no homozygotes.

Submissions (4):

Genomic Medicine Center of Excellence, King Faisal Specialist Hospital and Research Centre
Classification: Likely pathogenic for Mitochondrial complex I deficiency, nuclear type 31. Last evaluated: 2025-09-10. Review status: criteria provided, single submitter. Criteria: ACMG Guidelines, 2015. Collection method: clinical testing. Allele origin: germline.

Labcorp Genetics (formerly Invitae), Labcorp
Classification: Pathogenic. Last evaluated: 2024-04-08. Review status: criteria provided, single submitter. Criteria: Invitae Variant Classification Sherloc (09022015). Collection method: clinical testing. Allele origin: germline.
Comment: This sequence change creates a premature translational stop signal (p.Arg129*) in the TIMMDC1 gene. It is expected to result in an absent or disrupted protein product. Loss-of-function variants in TIMMDC1 are known to be pathogenic (PMID: 28604674, 33278652). This variant is present in population databases (no rsID available, gnomAD 0.01%). This premature translational stop signal has been observed in individual(s) with clinical features of TIMMDC1-related conditions (PMID: 33278652). It has also been observed to segregate with disease in related individuals. ClinVar contains an entry for this variant (Variation ID: 983214). Algorithms developed to predict the effect of sequence changes on RNA splicing suggest that this variant may disrupt the consensus splice site. For these reasons, this variant has been classified as Pathogenic.

GeneDx
Classification: Likely pathogenic. Last evaluated: 2023-04-27. Review status: criteria provided, single submitter. Criteria: GeneDx Variant Classification Process June 2021. Collection method: clinical testing. Allele origin: germline. Affected: yes.
Comment: Nonsense variant predicted to result in protein truncation or nonsense mediated decay in a gene for which loss of function is a known mechanism of disease; This variant is associated with the following publications: (PMID: 33278652)

Department of Genetics, University Medical Center Utrecht
Classification: Pathogenic for Mitochondrial complex I deficiency, nuclear type 31. Last evaluated: 2020-10-28. Review status: criteria provided, single submitter. Criteria: ACMG Guidelines, 2015. Collection method: clinical testing. Allele origin: maternal. Inheritance: Autosomal recessive inheritance. Affected: yes. Observed: 1 compound heterozygote.
Comment: The heterozygous mother was unaffected. Based on the predicted loss-of-function effect, compatible phenotype, segregation in the family and presence of a pathogenic variant on the other allele, we classify this as a pathogenic variant.

Literature cited by the submitters: PubMed 28604674 (cited by Labcorp Genetics (formerly Invitae), Labcorp); PubMed 33278652 (cited by Labcorp Genetics (formerly Invitae), Labcorp).